The following is an entry in ClinVar:

NM_138694.4(PKHD1):c.7489G>T (p.Gly2497Ter)

Gene: PKHD1 (PKHD1 ciliary IPT domain containing fibrocystin/polyductin; minus strand). Cytogenetic location: 6p12.2.
Variant type: single nucleotide variant.
Coding change: c.7489G>T on transcript NM_138694.4 (MANE Select); coding-DNA position 7489, G replaced by T.
Protein change: p.Gly2497Ter; replaces glycine 2497 with a stop codon.
Molecular consequence: nonsense.
Genome position (GRCh38, 1-based): chr6:51,868,107, C>A on the plus strand (G>T on the coding strand, the complement: PKHD1 is on the minus strand). VCF-style: chr6-51868107-C-A. GRCh37 (hg19) VCF-style: chr6-51732905-C-A.
Other names: c.7489G>T, p.Gly2497Ter (NM_170724.3); c.7489G>T (NM_138694.3); short protein forms G2497*.
Identifiers: ClinVar variation 3593831 (VCV003593831.2).

ClinVar aggregate classification (germline): Likely pathogenic. Review status: criteria provided, multiple submitters, no conflicts (2 of 4 stars). 2 submissions from 2 submitters: Likely pathogenic (2). Last evaluated 2024-11-06.

Conditions:
Polycystic kidney disease 4 (PKD4). Also called: Autosomal Recessive Polycystic Kidney Disease – PKHD1; PKD3; POLYCYSTIC KIDNEY AND HEPATIC DISEASE 1; POLYCYSTIC KIDNEY DISEASE, INFANTILE, TYPE I; POLYCYSTIC KIDNEY DISEASE 4 WITH OR WITHOUT POLYCYSTIC LIVER DISEASE. Identifiers: MedGen C4540575, MONDO:0033004, OMIM 263200.
Autosomal recessive polycystic kidney disease (ARPKD). Also called: AR polycystic kidney disease. Identifiers: Orphanet 731, Orphanet 8378, MedGen C0085548, MeSH D017044, MONDO:0009889.

Submissions (2):

Natera, Inc.
Classification: Likely pathogenic for Autosomal recessive polycystic kidney disease. Last evaluated: 2024-11-06. Review status: criteria provided, single submitter. Criteria: Natera Variant Classification Schema (03/2026). Collection method: clinical testing. Allele origin: germline.
Comment: The c.7489G>T variant in PKHD1 is a nonsense variant predicted to introduce a stop codon at amino acid 2497. This variant is expected to result in nonsense mediated decay, truncation, or a dysfunctional protein product. This variant is rare in the general population with a frequency below the threshold expected for the associated phenotype(s). Given the available evidence, this variant is classified as Likely Pathogenic.

Fulgent Genetics
Classification: Likely pathogenic for Polycystic kidney disease 4. Last evaluated: 2024-01-03. Review status: criteria provided, single submitter. Criteria: ACMG Guidelines, 2015. Collection method: clinical testing. Allele origin: germline.